The following is an entry in ClinVar:

NM_152743.4(BRAT1):c.2171T>G (p.Leu724Arg)

Gene: BRAT1 (BRCA1 associated ATM activator 1; minus strand). Cytogenetic location: 7p22.3.
Variant type: single nucleotide variant.
Coding change: c.2171T>G on transcript NM_152743.4 (MANE Select); coding-DNA position 2171, T replaced by G.
Protein change: p.Leu724Arg; replaces leucine 724 with arginine.
Molecular consequence: missense variant. On other transcripts: non-coding transcript variant (1).
Genome position (GRCh38, 1-based): chr7:2,538,364, A>C on the plus strand (T>G on the coding strand, the complement: BRAT1 is on the minus strand). VCF-style: chr7-2538364-A-C. GRCh37 (hg19) VCF-style: chr7-2577998-A-C.
Other names: c.2351T>G, p.Leu784Arg (NM_001350626.2); c.1646T>G, p.Leu549Arg (NM_001350627.2); c.2171T>G (NM_152743.3); short protein forms L549R, L784R, L724R.
Identifiers: ClinVar variation 1386309 (VCV001386309.8), dbSNP rs763537863, ClinGen allele CA4127440.
Genomic context (GRCh38, chr7:2,538,364, plus strand): 5'-TTGGGGCTGCCCCTGGCCTCCCGCAGGCTGCTGTAGGAAGCAATCTTGTCCCTCAGGAAG[A>C]GAAGGAGGTCACAAGACTTCTGCGCCACAGGGCGGTCGCAGTCAAACAAGGCACAAAAGG-3'
Protein context (NP_689956.2, residues 714-734): PVAQKSCDLL[Leu724Arg]FLRDKIASYS

ClinVar aggregate classification (germline): Uncertain significance. Review status: criteria provided, multiple submitters, no conflicts (2 of 4 stars). 2 submissions from 2 submitters: Uncertain significance (2). Last evaluated 2024-09-08.

Conditions:
Inborn genetic diseases. Identifiers: MedGen C0950123, MeSH D030342.
Neonatal-onset encephalopathy with rigidity and seizures. Also called: Lethal neonatal spasticity-epileptic encephalopathy syndrome. Identifiers: Orphanet 435845, MedGen C3281029, MONDO:0013784, OMIM 614498.

Allele frequency attached by ClinVar (database versions not stated): gnomAD 0.00001; gnomAD exomes 0.00001 and 0.00002; ExAC 0.00002; TOPMed 0.00002.
gnomAD v4.1: 8 of 1,613,372 alleles (0.0005%); highest among the groups gnomAD compares: East Asian, 0.018%; no homozygotes.

Submissions (2):

Ambry Genetics
Classification: Uncertain significance for Inborn genetic diseases. Last evaluated: 2024-09-08. Review status: criteria provided, single submitter. Criteria: Ambry Variant Classification Scheme 2023. Collection method: clinical testing. Allele origin: germline.

Labcorp Genetics (formerly Invitae), Labcorp
Classification: Uncertain significance for Neonatal-onset encephalopathy with rigidity and seizures. Last evaluated: 2022-08-09. Review status: criteria provided, single submitter. Criteria: Invitae Variant Classification Sherloc (09022015). Collection method: clinical testing. Allele origin: germline.
Comment: In summary, the available evidence is currently insufficient to determine the role of this variant in disease. Therefore, it has been classified as a Variant of Uncertain Significance. Algorithms developed to predict the effect of missense changes on protein structure and function are either unavailable or do not agree on the potential impact of this missense change (SIFT: "Deleterious"; PolyPhen-2: "Probably Damaging"; Align-GVGD: "Class C0"). ClinVar contains an entry for this variant (Variation ID: 1386309). This variant has not been reported in the literature in individuals affected with BRAT1-related conditions. This variant is present in population databases (rs763537863, gnomAD 0.03%). This sequence change replaces leucine, which is neutral and non-polar, with arginine, which is basic and polar, at codon 724 of the BRAT1 protein (p.Leu724Arg).